The following is an entry in ClinVar:

ClinVar aggregate classification (germline): Uncertain significance (0 of 4 stars; one submission).

Conditions:
KCNT1-related disorder. Also called: KCNT1-related condition.

Submission:

PreventionGenetics, part of Exact Sciences
Classification: Uncertain significance for KCNT1-related condition. Last evaluated: 2024-02-01. Review status: no assertion criteria provided. Collection method: clinical testing. Allele origin: germline.
Comment: The KCNT1 c.1688A>G variant is predicted to result in the amino acid substitution p.His563Arg. To our knowledge, this variant has not been reported in the literature or in a large population database, indicating this variant is rare. At this time, the clinical significance of this variant is uncertain due to the absence of conclusive functional and genetic evidence.

NM_020822.3(KCNT1):c.1688A>G (p.His563Arg)

Gene: KCNT1 (potassium sodium-activated channel subfamily T member 1; plus strand). Cytogenetic location: 9q34.3.
Variant type: single nucleotide variant.
Coding change: c.1688A>G on transcript NM_020822.3 (MANE Select); coding-DNA position 1688, A replaced by G.
Protein change: p.His563Arg; replaces histidine 563 with arginine.
Molecular consequence: missense variant.
Genome position (GRCh38, 1-based): chr9:135,770,366, A>G. VCF-style: chr9-135770366-A-G. GRCh37 (hg19) VCF-style: chr9-138662212-A-G.
Other names: c.1553A>G, p.His518Arg (NM_001272003.2); short protein forms H518R, H563R.
Identifiers: ClinVar variation 3031730 (VCV003031730.2), dbSNP rs2490964964, ClinGen allele CA375506489.